The following is an entry in ClinVar:

ClinVar aggregate classification (germline): Uncertain significance (1 of 4 stars; one submission).

Allele frequency attached by ClinVar (database versions not stated): gnomAD exomes below 0.00001.
gnomAD v4.1: 1 of 1,311,826 alleles (0.000076%); highest among the groups gnomAD compares: Non-Finnish European, 0.0001%; no homozygotes.

Submission:

Labcorp Genetics (formerly Invitae), Labcorp
Classification: Uncertain significance. Last evaluated: 2022-03-23. Review status: criteria provided, single submitter. Criteria: Invitae Variant Classification Sherloc (09022015). Collection method: clinical testing. Allele origin: germline.
Comment: This variant is not present in population databases (gnomAD no frequency). This variant has not been reported in the literature in individuals affected with DMXL2-related conditions. Algorithms developed to predict the effect of sequence changes on RNA splicing suggest that this variant may create or strengthen a splice site. In summary, the available evidence is currently insufficient to determine the role of this variant in disease. Therefore, it has been classified as a Variant of Uncertain Significance. This sequence change falls in intron 29 of the DMXL2 gene. It does not directly change the encoded amino acid sequence of the DMXL2 protein.

NM_001378457.1(DMXL2):c.7393-5T>C

Gene: DMXL2 (Dmx like 2; minus strand). Cytogenetic location: 15q21.2.
Variant type: single nucleotide variant.
Coding change: c.7393-5T>C on transcript NM_001378457.1 (MANE Select); 5 bases into the intron before coding-DNA position 7393, T replaced by C.
Molecular consequence: intron variant.
Genome position (GRCh38, 1-based): chr15:51,466,316, A>G on the plus strand (T>C on the coding strand, the complement: DMXL2 is on the minus strand). VCF-style: chr15-51466316-A-G. GRCh37 (hg19) VCF-style: chr15-51758513-A-G.
Other names: c.5371-5T>C (NM_001378460.1); c.5482-5T>C (NM_001174117.3); c.7390-5T>C (NM_015263.5, NM_001378458.1, NM_001378462.1); c.7393-5T>C (NM_001378459.1, NM_001174116.3, NM_001378463.1 and 1 more transcripts); c.7150-5T>C (NM_001378464.1).
Identifiers: ClinVar variation 2107388 (VCV002107388.4), dbSNP rs2543088647, ClinGen allele CA490378775.